The following is an entry in ClinVar:

NM_020911.2(PLXNA4):c.5297T>C (p.Ile1766Thr)

Gene: PLXNA4 (plexin A4; minus strand). Cytogenetic location: 7q32.3.
Variant type: single nucleotide variant.
Coding change: c.5297T>C on transcript NM_020911.2 (MANE Select); coding-DNA position 5297, T replaced by C.
Protein change: p.Ile1766Thr; replaces isoleucine 1766 with threonine.
Molecular consequence: missense variant.
Genome position (GRCh38, 1-based): chr7:132,140,740, A>G on the plus strand (T>C on the coding strand, the complement: PLXNA4 is on the minus strand). VCF-style: chr7-132140740-A-G. GRCh37 (hg19) VCF-style: chr7-131825499-A-G.
Other names: c.5297T>C, p.Ile1766Thr (NM_001393897.1); short protein forms I1766T.
Identifiers: ClinVar variation 4998544 (VCV004998544.1).

ClinVar aggregate classification (germline): Uncertain significance (1 of 4 stars; one submission).

Conditions:
PLXNA4-related disorder. Also called: PLXNA4-related condition.

Submission:

PreventionGenetics, part of Exact Sciences
Classification: Uncertain significance for PLXNA4-related condition. Last evaluated: 2025-04-03. Review status: criteria provided, single submitter. Criteria: ACMG Guidelines, 2015. Collection method: clinical testing. Allele origin: germline.
Comment: The PLXNA4 c.5297T>C variant is predicted to result in the amino acid substitution p.Ile1766Thr. To our knowledge, this variant has not been reported in the literature or in a large population database (gnomAD), indicating this variant is rare. At this time, the clinical significance of this variant is uncertain due to the absence of conclusive functional and genetic evidence.